The following is an entry in ClinVar:

NM_000432.4(MYL2):c.381G>T (p.Ala127=)

Gene: MYL2 (myosin light chain 2; minus strand). Cytogenetic location: 12q24.11.
Variant type: single nucleotide variant.
Coding change: c.381G>T on transcript NM_000432.4 (MANE Select); coding-DNA position 381, G replaced by T.
Protein change: p.Ala127=; no amino-acid change (alanine 127 retained).
Molecular consequence: synonymous variant.
Genome position (GRCh38, 1-based): chr12:110,913,117, C>A on the plus strand (G>T on the coding strand, the complement: MYL2 is on the minus strand). VCF-style: chr12-110913117-C-A. GRCh37 (hg19) VCF-style: chr12-111350921-C-A.
Other names: c.339G>T, p.Ala113= (NM_001406745.1, NM_001406746.1); c.324G>T, p.Ala108= (NM_001406916.1).
Identifiers: ClinVar variation 3075412 (VCV003075412.1), dbSNP rs2233261, ClinGen allele CA481750827.

ClinVar aggregate classification (germline): Likely benign (1 of 4 stars; one submission).

Conditions:
Hypertrophic cardiomyopathy. Also called: HYPERTROPHIC MYOCARDIOPATHY. Identifiers: Orphanet 217569, MedGen C0007194, MeSH D002312, MONDO:0005045, HP:0001639.

gnomAD v4.1: 1 of 1,614,156 alleles (0.000062%); highest among the groups gnomAD compares: Non-Finnish European, 0.000085%; no homozygotes.

Submission:

All of Us Research Program, National Institutes of Health
Classification: Likely benign for Hypertrophic cardiomyopathy. Last evaluated: 2024-02-05. Review status: criteria provided, single submitter. Criteria: ACMG Guidelines, 2015. Collection method: clinical testing. Allele origin: germline. Inheritance: Autosomal dominant inheritance. Observed: 1 variant allele, 1 heterozygote.
Comment: This study involves interpretation of variants in research participants for the purpose of population health screening. Participant phenotype was not available at the time of variant classification. Additional details can be found in publication PMID: 35346344, PMCID: PMC8962531